The following is an entry in ClinVar:

NM_022114.4(PRDM16):c.2344G>A (p.Val782Met)

Gene: PRDM16 (PR/SET domain 16; plus strand). Cytogenetic location: 1p36.32.
Variant type: single nucleotide variant.
Coding change: c.2344G>A on transcript NM_022114.4 (MANE Select); coding-DNA position 2344, G replaced by A.
Protein change: p.Val782Met; replaces valine 782 with methionine.
Molecular consequence: missense variant.
Genome position (GRCh38, 1-based): chr1:3,412,541, G>A. VCF-style: chr1-3412541-G-A. GRCh37 (hg19) VCF-style: chr1-3329105-G-A.
Other names: c.2344G>A, p.Val782Met (NM_199454.3); short protein forms V782M.
Identifiers: ClinVar variation 2115561 (VCV002115561.4), dbSNP rs763116381, ClinGen allele CA544448.

ClinVar aggregate classification (germline): Uncertain significance (1 of 4 stars; one submission).

Conditions:
Left ventricular noncompaction 8 (LVNC8). Identifiers: Orphanet 154, Orphanet 54260, MedGen C3809288, MONDO:0014152, OMIM 615373.

Allele frequency attached by ClinVar (database versions not stated): gnomAD 0.00001; gnomAD exomes 0.00001; TOPMed 0.00001; ExAC 0.00002.
gnomAD v4.1: 12 of 1,612,358 alleles (0.00074%); highest among the groups gnomAD compares: South Asian, 0.0044%; no homozygotes.

Submission:

Labcorp Genetics (formerly Invitae), Labcorp
Classification: Uncertain significance for Left ventricular noncompaction 8. Last evaluated: 2022-10-03. Review status: criteria provided, single submitter. Criteria: Invitae Variant Classification Sherloc (09022015). Collection method: clinical testing. Allele origin: germline.
Comment: In summary, the available evidence is currently insufficient to determine the role of this variant in disease. Therefore, it has been classified as a Variant of Uncertain Significance. Algorithms developed to predict the effect of missense changes on protein structure and function output the following: SIFT: "Tolerated"; PolyPhen-2: "Benign"; Align-GVGD: "Class C0". The methionine amino acid residue is found in multiple mammalian species, which suggests that this missense change does not adversely affect protein function. This variant has not been reported in the literature in individuals affected with PRDM16-related conditions. This variant is present in population databases (rs763116381, gnomAD 0.007%). This sequence change replaces valine, which is neutral and non-polar, with methionine, which is neutral and non-polar, at codon 782 of the PRDM16 protein (p.Val782Met).